The following is an entry in ClinVar:

ClinVar aggregate classification (germline): Uncertain significance (1 of 4 stars; one submission).

Submission:

GeneDx
Classification: Uncertain significance. Last evaluated: 2023-12-27. Review status: criteria provided, single submitter. Criteria: GeneDx Variant Classification Process June 2021. Collection method: clinical testing. Allele origin: germline. Affected: yes.
Comment: Not observed at significant frequency in large population cohorts (gnomAD); In silico analysis supports that this missense variant has a deleterious effect on protein structure/function; Has not been previously published as pathogenic or benign to our knowledge

NM_001382241.1(TNPO2):c.1577C>T (p.Ala526Val)

Gene: TNPO2 (transportin 2; minus strand). Cytogenetic location: 19p13.13.
Variant type: single nucleotide variant.
Coding change: c.1577C>T on transcript NM_001382241.1 (MANE Select); coding-DNA position 1577, C replaced by T.
Protein change: p.Ala526Val; replaces alanine 526 with valine.
Molecular consequence: missense variant. On other transcripts: non-coding transcript variant (6).
Genome position (GRCh38, 1-based): chr19:12,706,287, G>A on the plus strand (C>T on the coding strand, the complement: TNPO2 is on the minus strand). VCF-style: chr19-12706287-G-A. GRCh37 (hg19) VCF-style: chr19-12817101-G-A.
Other names: c.1577C>T, p.Ala526Val (NM_001136195.2, NM_001136196.2, NM_001382236.1 and 7 more transcripts); short protein forms A526V.
Identifiers: ClinVar variation 3367356 (VCV003367356.1).